The following is an entry in ClinVar:

ClinVar aggregate classification (germline): Uncertain significance (1 of 4 stars; one submission).

Conditions:
Arrhythmogenic cardiomyopathy with wooly hair and keratoderma. Also called: PALMOPLANTAR KERATODERMA WITH LEFT VENTRICULAR CARDIOMYOPATHY AND WOOLLY HAIR; Carvajal syndrome; Dilated cardiomyopathy with woolly hair and keratoderma; Arrhythmogenic cardiomyopathy with woolly hair and keratoderma. Identifiers: Orphanet 65282, MedGen C1854063, MONDO:0011581, OMIM 605676.
Arrhythmogenic right ventricular dysplasia 8 (ARVD8). Also called: Arrhythmogenic Right Ventricular Dysplasia/Cardiomyopathy 8; ARRHYTHMOGENIC RIGHT VENTRICULAR DYSPLASIA, FAMILIAL, 8; ARRHYTHMOGENIC RIGHT VENTRICULAR CARDIOMYOPATHY 8. Identifiers: MedGen C1843896, MONDO:0011831, OMIM 607450.

Submission:

Labcorp Genetics (formerly Invitae), Labcorp
Classification: Uncertain significance for Arrhythmogenic cardiomyopathy with wooly hair and keratoderma; Arrhythmogenic right ventricular dysplasia 8. Last evaluated: 2025-10-13. Review status: criteria provided, single submitter. Criteria: Invitae Variant Classification Sherloc (09022015). Collection method: clinical testing. Allele origin: germline.
Comment: This sequence change replaces phenylalanine, which is neutral and non-polar, with valine, which is neutral and non-polar, at codon 312 of the DSP protein (p.Phe312Val). This variant is not present in population databases (gnomAD no frequency). This variant has not been reported in the literature in individuals affected with DSP-related conditions. An algorithm developed to predict the effect of missense changes on protein structure and function (PolyPhen-2) suggests that this variant is likely to be disruptive. In summary, the available evidence is currently insufficient to determine the role of this variant in disease. Therefore, it has been classified as a Variant of Uncertain Significance.

NM_004415.4(DSP):c.934T>G (p.Phe312Val)

Gene: DSP (desmoplakin; plus strand). Cytogenetic location: 6p24.3.
Variant type: single nucleotide variant.
Coding change: c.934T>G on transcript NM_004415.4 (MANE Select); coding-DNA position 934, T replaced by G.
Protein change: p.Phe312Val; replaces phenylalanine 312 with valine.
Molecular consequence: missense variant.
Genome position (GRCh38, 1-based): chr6:7,565,515, T>G. VCF-style: chr6-7565515-T-G. GRCh37 (hg19) VCF-style: chr6-7565748-T-G.
Other names: c.934T>G, p.Phe312Val (NM_001008844.3, NM_001319034.2, NM_001406591.1); short protein forms F312V.
Identifiers: ClinVar variation 4790402 (VCV004790402.1).